The following is an entry in ClinVar:

ClinVar aggregate classification (germline): Uncertain significance (1 of 4 stars; one submission).

Conditions:
Charcot-Marie-Tooth disease type 4. Also called: Charcot-Marie-Tooth, Type 4; Charcot-Marie-Tooth disease, type IV. Identifiers: Orphanet 64749, MedGen C4082197, MONDO:0018995.

Allele frequency attached by ClinVar (database versions not stated): TOPMed below 0.00001; gnomAD 0.00001; gnomAD exomes 0.00002.

Submission:

Labcorp Genetics (formerly Invitae), Labcorp
Classification: Uncertain significance for Charcot-Marie-Tooth disease type 4. Last evaluated: 2020-07-08. Review status: criteria provided, single submitter. Criteria: Invitae Variant Classification Sherloc (09022015). Collection method: clinical testing. Allele origin: germline.
Comment: This variant is not present in population databases (ExAC no frequency). This sequence change replaces aspartic acid with tyrosine at codon 336 of the PRX protein (p.Asp336Tyr). The aspartic acid residue is moderately conserved and there is a large physicochemical difference between aspartic acid and tyrosine. This variant has not been reported in the literature in individuals with PRX-related conditions. Algorithms developed to predict the effect of missense changes on protein structure and function (SIFT, PolyPhen-2, Align-GVGD) all suggest that this variant is likely to be disruptive, but these predictions have not been confirmed by published functional studies and their clinical significance is uncertain. In summary, the available evidence is currently insufficient to determine the role of this variant in disease. Therefore, it has been classified as a Variant of Uncertain Significance.

NM_181882.3(PRX):c.1006G>T (p.Asp336Tyr)

Gene: PRX (periaxin; minus strand). Cytogenetic location: 19q13.2.
Variant type: single nucleotide variant.
Coding change: c.1006G>T on transcript NM_181882.3 (MANE Select); coding-DNA position 1006, G replaced by T.
Protein change: p.Asp336Tyr; replaces aspartic acid 336 with tyrosine.
Molecular consequence: missense variant. On other transcripts: 3 prime UTR variant (1).
Genome position (GRCh38, 1-based): chr19:40,397,346, C>A on the plus strand (G>T on the coding strand, the complement: PRX is on the minus strand). VCF-style: chr19-40397346-C-A. GRCh37 (hg19) VCF-style: chr19-40903253-C-A.
Other names: c.*1211G>T (NM_020956.2); short protein forms D336Y.
Identifiers: ClinVar variation 1040688 (VCV001040688.6), dbSNP rs1299537537, ClinGen allele CA405899264.